The following is an entry in ClinVar:

ClinVar aggregate classification (germline): Uncertain significance (1 of 4 stars; one submission).

Conditions:
Emery-Dreifuss muscular dystrophy 5, autosomal dominant (EDMD5). Also called: EMERY-DREIFUSS MUSCULAR DYSTROPHY 5. Identifiers: Orphanet 261, MedGen C2751805, MONDO:0013072, OMIM 612999.

Submission:

Labcorp Genetics (formerly Invitae), Labcorp
Classification: Uncertain significance for Emery-Dreifuss muscular dystrophy 5, autosomal dominant. Last evaluated: 2024-04-06. Review status: criteria provided, single submitter. Criteria: Invitae Variant Classification Sherloc (09022015). Collection method: clinical testing. Allele origin: germline.
Comment: This sequence change replaces asparagine, which is neutral and polar, with serine, which is neutral and polar, at codon 5644 of the SYNE2 protein (p.Asn5644Ser). This variant is present in population databases (no rsID available, gnomAD 0.006%). This variant has not been reported in the literature in individuals affected with SYNE2-related conditions. Algorithms developed to predict the effect of missense changes on protein structure and function output the following: SIFT: "Not Available"; PolyPhen-2: "Benign"; Align-GVGD: "Not Available". The serine amino acid residue is found in multiple mammalian species, which suggests that this missense change does not adversely affect protein function. In summary, the available evidence is currently insufficient to determine the role of this variant in disease. Therefore, it has been classified as a Variant of Uncertain Significance.

NM_182914.3(SYNE2):c.16931A>G (p.Asn5644Ser)

Gene: SYNE2 (spectrin repeat containing nuclear envelope protein 2; plus strand). Cytogenetic location: 14q23.2.
Variant type: single nucleotide variant.
Coding change: c.16931A>G on transcript NM_182914.3 (MANE Select); coding-DNA position 16931, A replaced by G.
Protein change: p.Asn5644Ser; replaces asparagine 5644 with serine.
Molecular consequence: missense variant.
Genome position (GRCh38, 1-based): chr14:64,168,902, A>G. VCF-style: chr14-64168902-A-G. GRCh37 (hg19) VCF-style: chr14-64635620-A-G.
Other names: c.16931A>G, p.Asn5644Ser (NM_015180.6); short protein forms N5644S.
Identifiers: ClinVar variation 3707366 (VCV003707366.2).
Genomic context (GRCh38, chr14:64,168,902, plus strand): 5'-ACTAGCTGATATTTTCTGCTTGGACTCATATACAGATGTTAGAAGCTGAAGTTTCTATAA[A>G]CCAGACAATTGCTGATTCCTATGTCACCCAGTCCTTACAACTCCTGGACACAACAGAAAT-3'
Protein context (NP_878918.2, residues 5634-5654): YKMLEAEVSI[Asn5644Ser]QTIADSYVTQ